The following is an entry in ClinVar:

ClinVar aggregate classification (germline): Uncertain significance (1 of 4 stars; one submission).

Submission:

GeneDx
Classification: Uncertain significance. Last evaluated: 2025-06-20. Review status: criteria provided, single submitter. Criteria: GeneDx Variant Classification Process June 2021. Collection method: clinical testing. Allele origin: germline. Affected: yes.
Comment: Not observed at significant frequency in large population cohorts (gnomAD); In silico analysis supports that this missense variant has a deleterious effect on protein structure/function; Has not been previously published as pathogenic or benign to our knowledge; This variant is associated with the following publications: (PMID: 12938084)

NM_000138.5(FBN1):c.3799G>A (p.Asp1267Asn)

Gene: FBN1 (fibrillin 1; minus strand). Cytogenetic location: 15q21.1.
Variant type: single nucleotide variant.
Coding change: c.3799G>A on transcript NM_000138.5 (MANE Select); coding-DNA position 3799, G replaced by A.
Protein change: p.Asp1267Asn; replaces aspartic acid 1267 with asparagine.
Molecular consequence: missense variant.
Genome position (GRCh38, 1-based): chr15:48,483,857, C>T on the plus strand (G>A on the coding strand, the complement: FBN1 is on the minus strand). VCF-style: chr15-48483857-C-T. GRCh37 (hg19) VCF-style: chr15-48776054-C-T.
Other names: c.3799G>A, p.Asp1267Asn (NM_001406716.1); short protein forms D1267N.
Identifiers: ClinVar variation 4538988 (VCV004538988.1).